The following is an entry in ClinVar:

NM_032634.4(PIGO):c.3195C>T (p.Gly1065=)

Gene: PIGO (phosphatidylinositol glycan anchor biosynthesis class O; minus strand). Cytogenetic location: 9p13.3.
Variant type: single nucleotide variant.
Coding change: c.3195C>T on transcript NM_032634.4 (MANE Select); coding-DNA position 3195, C replaced by T.
Protein change: p.Gly1065=; no amino-acid change (glycine 1065 retained).
Molecular consequence: synonymous variant.
Genome position (GRCh38, 1-based): chr9:35,089,167, G>A on the plus strand (C>T on the coding strand, the complement: PIGO is on the minus strand). VCF-style: chr9-35089167-G-A. GRCh37 (hg19) VCF-style: chr9-35089164-G-A.
Other names: c.1944C>T, p.Gly648= (NM_001201484.2, NM_152850.4).
Identifiers: ClinVar variation 4874046 (VCV004874046.2).

ClinVar aggregate classification (germline): Likely benign (1 of 4 stars; one submission).

gnomAD v4.1: 22 of 1,614,022 alleles (0.0014%); highest among the groups gnomAD compares: Non-Finnish European, 0.0016%; no homozygotes.

Submission:

CeGaT Center for Human Genetics Tuebingen
Classification: Likely benign. Last evaluated: 2026-04-01. Review status: criteria provided, single submitter. Criteria: CeGaT Center For Human Genetics Tuebingen Variant Classification Criteria Version 2. Collection method: clinical testing. Allele origin: germline. Affected: yes. Observed: 1 variant allele.
Comment: PIGO: BP4, BP7